The following is an entry in ClinVar:

NM_000138.5(FBN1):c.6139del (p.Ser2047fs)

Gene: FBN1 (fibrillin 1; minus strand). Cytogenetic location: 15q21.1.
Variant type: Deletion.
Coding change: c.6139del on transcript NM_000138.5 (MANE Select); coding-DNA position 6139, one base deleted (T; older notation c.6139delT).
Protein change: p.Ser2047fs; shifts the reading frame from serine 2047.
Molecular consequence: frameshift variant.
Genome position (GRCh38, 1-based): chr15:48,441,745, A deleted on the plus strand (T on the coding strand, the reverse complement: FBN1 is on the minus strand). VCF-style (leftmost placement, unchanged base first): chr15-48441744-GA-G. GRCh37 (hg19) VCF-style: chr15-48733941-GA-G.
Other names: c.6139delT (NM_000138.4); short protein forms S2047fs.
Identifiers: ClinVar variation 864324 (VCV000864324.8), dbSNP rs2043116624, ClinGen allele CA916082413.

ClinVar aggregate classification (germline): Pathogenic. Review status: criteria provided, multiple submitters, no conflicts (2 of 4 stars). 2 submissions from 2 submitters: Pathogenic (2). Last evaluated 2024-06-24.

Conditions:
Familial thoracic aortic aneurysm and aortic dissection (TAAD). Also called: Thoracic aortic aneurysms and dissections. Identifiers: Orphanet 91387, MedGen C4707243, MONDO:0019625.
Marfan syndrome (MFS). Also called: FBN1-Related Marfan Syndrome; Marfan's syndrome; MARFAN SYNDROME, TYPE I; Marfan syndrome type 1; Marfan syndrome, classic. Identifiers: Orphanet 284963, Orphanet 558, MedGen C0024796, MONDO:0007947, OMIM 154700.

Submissions (2):

Ambry Genetics
Classification: Pathogenic for Familial thoracic aortic aneurysm and aortic dissection. Last evaluated: 2024-06-24. Review status: criteria provided, single submitter. Criteria: Ambry Variant Classification Scheme 2023. Collection method: clinical testing. Allele origin: germline.
Comment: The c.6139delT (p.S2047Pfs*12) alteration, located in exon 50 (coding exon 49) of the FBN1 gene, consists of a deletion of one nucleotide at position 6139, causing a translational frameshift with a predicted alternate stop codon after 12 amino acids. This alteration is expected to result in loss of function by premature protein truncation or nonsense-mediated mRNA decay. This variant was not reported in population-based cohorts in the Genome Aggregation Database (gnomAD). Based on the available evidence, this alteration is classified as pathogenic.

Labcorp Genetics (formerly Invitae), Labcorp
Classification: Pathogenic for Marfan syndrome; Familial thoracic aortic aneurysm and aortic dissection. Last evaluated: 2019-03-15. Review status: criteria provided, single submitter. Criteria: Invitae Variant Classification Sherloc (09022015). Collection method: clinical testing. Allele origin: germline.
Comment: This variant has not been reported in the literature in individuals with FBN1-related conditions. Loss-of-function variants in FBN1 are known to be pathogenic (PMID: 17657824, 19293843). For these reasons, this variant has been classified as Pathogenic. This variant is not present in population databases (ExAC no frequency). This sequence change creates a premature translational stop signal (p.Ser2047Profs*12) in the FBN1 gene. It is expected to result in an absent or disrupted protein product.

Literature cited by the submitters: PubMed 17657824 (cited by Labcorp Genetics (formerly Invitae), Labcorp); PubMed 19293843 (cited by Labcorp Genetics (formerly Invitae), Labcorp).